The following is an entry in ClinVar:

ClinVar aggregate classification (germline): Uncertain significance. Review status: criteria provided, multiple submitters, no conflicts (2 of 4 stars). 3 submissions from 3 submitters: Uncertain significance (3). Last evaluated 2025-04-15.

Conditions:
Macrothrombocytopenia, isolated, 1, autosomal dominant (MACTHC1). Also called: Autosomal dominant macrothrombocytopenia TUBB1-related. Identifiers: Orphanet 140957, MedGen C5676892, MONDO:0800047, OMIM 613112.

Allele frequency attached by ClinVar (database versions not stated): gnomAD exomes below 0.00001; ExAC 0.00001.

Submissions (3):

GeneDx
Classification: Uncertain significance. Last evaluated: 2025-04-15. Review status: criteria provided, single submitter. Criteria: GeneDx Variant Classification Process June 2021. Collection method: clinical testing. Allele origin: germline. Affected: yes.
Comment: Not observed at significant frequency in large population cohorts (gnomAD); In silico analysis supports that this missense variant has a deleterious effect on protein structure/function; Has not been previously published as pathogenic or benign to our knowledge

Blueprint Genetics
Classification: Uncertain significance. Last evaluated: 2024-11-05. Review status: criteria provided, single submitter. Criteria: ACMG Guidelines, 2015. Collection method: clinical testing. Allele origin: germline.

MGZ Medical Genetics Center
Classification: Uncertain significance for Macrothrombocytopenia, isolated, 1, autosomal dominant. Last evaluated: 2022-01-20. Review status: criteria provided, single submitter. Criteria: ACMG Guidelines, 2015. Collection method: clinical testing. Allele origin: germline. Affected: yes. Observed: 1 variant allele.
Comment: ACMG criteria applied: PM2_SUP, PP3

NM_030773.4(TUBB1):c.769A>G (p.Met257Val)

Gene: TUBB1 (tubulin beta 1 class VI; plus strand). Cytogenetic location: 20q13.32.
Variant type: single nucleotide variant.
Coding change: c.769A>G on transcript NM_030773.4 (MANE Select); coding-DNA position 769, A replaced by G.
Protein change: p.Met257Val; replaces methionine 257 with valine.
Molecular consequence: missense variant.
Genome position (GRCh38, 1-based): chr20:59,024,196, A>G. VCF-style: chr20-59024196-A-G. GRCh37 (hg19) VCF-style: chr20-57599251-A-G.
Other names: short protein forms M257V.
Identifiers: ClinVar variation 1708983 (VCV001708983.4), dbSNP rs759579888, ClinGen allele CA9928580.